The following is an entry in ClinVar:

ClinVar aggregate classification (germline): Pathogenic (1 of 4 stars; one submission).

Conditions:
Polycystic kidney disease 4 (PKD4). Also called: POLYCYSTIC KIDNEY AND HEPATIC DISEASE 1; POLYCYSTIC KIDNEY DISEASE, INFANTILE, TYPE I; POLYCYSTIC KIDNEY DISEASE 4 WITH OR WITHOUT POLYCYSTIC LIVER DISEASE; PKD3; Autosomal Recessive Polycystic Kidney Disease – PKHD1. Identifiers: MedGen C4540575, MONDO:0033004, OMIM 263200.

Submission:

Myriad Genetics, Inc.
Classification: Pathogenic for Polycystic kidney disease 4. Last evaluated: 2023-08-23. Review status: criteria provided, single submitter. Criteria: Myriad Autosomal Dominant, Autosomal Recessive and X-Linked Classification Criteria (2023). Collection method: clinical testing. Allele origin: unknown.
Comment: NM_138694.3(PKHD1):c.8116G>T(E2706*) is expected to be pathogenic in the context of autosomal recessive polycystic kidney disease, PKHD1-related. This variant is predicted to lead to an abnormal or absent protein product due to the creation of a premature termination codon in PKHD1, a gene where loss-of-function variants are known to be pathogenic. Please note: this variant was assessed in the context of healthy population screening.

NM_138694.4(PKHD1):c.8116G>T (p.Glu2706Ter)

Gene: PKHD1 (PKHD1 ciliary IPT domain containing fibrocystin/polyductin; minus strand). Cytogenetic location: 6p12.2.
Variant type: single nucleotide variant.
Coding change: c.8116G>T on transcript NM_138694.4 (MANE Select); coding-DNA position 8116, G replaced by T.
Protein change: p.Glu2706Ter; replaces glutamic acid 2706 with a stop codon.
Molecular consequence: nonsense.
Genome position (GRCh38, 1-based): chr6:51,836,461, C>A on the plus strand (G>T on the coding strand, the complement: PKHD1 is on the minus strand). VCF-style: chr6-51836461-C-A. GRCh37 (hg19) VCF-style: chr6-51701259-C-A.
Other names: c.8116G>T, p.Glu2706Ter (NM_170724.3); short protein forms E2706*.
Identifiers: ClinVar variation 5013063 (VCV005013063.1).